The following is an entry in ClinVar:

NM_001377.3(DYNC2H1):c.12577C>T (p.Arg4193Cys)

Gene: DYNC2H1 (dynein cytoplasmic 2 heavy chain 1; plus strand). Cytogenetic location: 11q22.3.
Variant type: single nucleotide variant.
Coding change: c.12577C>T on transcript NM_001377.3 (MANE Select); coding-DNA position 12577, C replaced by T.
Protein change: p.Arg4193Cys; replaces arginine 4193 with cysteine.
Molecular consequence: missense variant.
Genome position (GRCh38, 1-based): chr11:103,456,285, C>T. VCF-style: chr11-103456285-C-T. GRCh37 (hg19) VCF-style: chr11-103327013-C-T.
Other names: c.12598C>T, p.Arg4200Cys (NM_001080463.2); short protein forms R4193C, R4200C.
Identifiers: ClinVar variation 2197117 (VCV002197117.3), dbSNP rs369231694, ClinGen allele CA227452594.
Genomic context (GRCh38, chr11:103,456,285, plus strand): 5'-TTAATTCCTAAGGATTATTGATTTGTGACTTTGATGCTTTACCTTTACAGGGCAGTGGGT[C>T]GTTCTGTGGATAGCCTTAAATTTGTAGCCTCATGGAAAGGTCGACTGCAAGAAGCAAAGC-3'
Protein context (NP_001368.2, residues 4183-4203): LRQETARAVG[Arg4193Cys]SVDSLKFVAS

ClinVar aggregate classification (germline): Uncertain significance (1 of 4 stars; one submission).

Conditions:
Jeune thoracic dystrophy. Also called: Jeune syndrome; Infantile thoracic dystrophy; Thoracic pelvic phalangeal dystrophy; Jeune's syndrome; Chondroectodermal dysplasia-like syndrome; Short-rib thoracic dysplasia. Identifiers: Orphanet 474, MedGen C0265275, MONDO:0018770.

Allele frequency attached by ClinVar (database versions not stated): gnomAD 0.00002; TOPMed 0.00003; ESP Exome Variant Server 0.00008.
gnomAD v4.1: 85 of 1,607,704 alleles (0.0053%); highest among the groups gnomAD compares: Non-Finnish European, 0.0071%; no homozygotes.

Submission:

Labcorp Genetics (formerly Invitae), Labcorp
Classification: Uncertain significance for Jeune thoracic dystrophy. Last evaluated: 2024-04-23. Review status: criteria provided, single submitter. Criteria: Invitae Variant Classification Sherloc (09022015). Collection method: clinical testing. Allele origin: germline.
Comment: This sequence change replaces arginine, which is basic and polar, with cysteine, which is neutral and slightly polar, at codon 4200 of the DYNC2H1 protein (p.Arg4200Cys). The frequency data for this variant in the population databases is considered unreliable, as metrics indicate poor data quality at this position in the gnomAD database. This variant has not been reported in the literature in individuals affected with DYNC2H1-related conditions. ClinVar contains an entry for this variant (Variation ID: 2197117). Advanced modeling of protein sequence and biophysical properties (such as structural, functional, and spatial information, amino acid conservation, physicochemical variation, residue mobility, and thermodynamic stability) performed at Invitae indicates that this missense variant is not expected to disrupt DYNC2H1 protein function with a negative predictive value of 95%. In summary, the available evidence is currently insufficient to determine the role of this variant in disease. Therefore, it has been classified as a Variant of Uncertain Significance.